The following is an entry in ClinVar:

NM_015335.5(MED13L):c.5057C>T (p.Thr1686Met)

Gene: MED13L (mediator complex subunit 13L; minus strand). Cytogenetic location: 12q24.21.
Variant type: single nucleotide variant.
Coding change: c.5057C>T on transcript NM_015335.5 (MANE Select); coding-DNA position 5057, C replaced by T.
Protein change: p.Thr1686Met; replaces threonine 1686 with methionine.
Molecular consequence: missense variant.
Genome position (GRCh38, 1-based): chr12:115,982,502, G>A on the plus strand (C>T on the coding strand, the complement: MED13L is on the minus strand). VCF-style: chr12-115982502-G-A. GRCh37 (hg19) VCF-style: chr12-116420307-G-A.
Other names: c.5057C>T (NM_015335.4); short protein forms T1686M.
Identifiers: ClinVar variation 1299612 (VCV001299612.6), dbSNP rs1877397719, ClinGen allele CA386881247.

ClinVar aggregate classification (germline): Uncertain significance. Review status: criteria provided, multiple submitters, no conflicts (2 of 4 stars). 2 submissions from 2 submitters: Uncertain significance (2). Last evaluated 2021-11-06.

Conditions:
Cardiac anomalies - developmental delay - facial dysmorphism syndrome (MRFACD). Also called: MED13L Syndrome; Impaired intellectual development and distinctive facial features with or without cardiac defects. Identifiers: Orphanet 369891, MedGen C5192431, MONDO:0014773, OMIM 616789.

Submissions (2):

Laboratory of Medical Genetics, National & Kapodistrian University of Athens
Classification: Uncertain significance for Cardiac anomalies - developmental delay - facial dysmorphism syndrome. Last evaluated: 2021-11-06. Review status: criteria provided, single submitter. Criteria: ACMG Guidelines, 2015. Collection method: clinical testing. Allele origin: de novo. Inheritance: Autosomal dominant inheritance. Affected: yes.
Comment: PM2, PP2, PP3 Segregation study is incomplete for the de novo origin.

GeneDx
Classification: Uncertain significance. Last evaluated: 2019-08-12. Review status: criteria provided, single submitter. Criteria: GeneDx Variant Classification Process June 2021. Collection method: clinical testing. Allele origin: germline. Affected: yes.
Comment: Not observed in large population cohorts (Lek et al., 2016); In silico analysis, which includes protein predictors and evolutionary conservation, supports a deleterious effect; Has not been previously published as pathogenic or benign to our knowledge